The following is an entry in ClinVar:

ClinVar aggregate classification (germline): not provided (0 of 4 stars; one submission).

Conditions:
Large for gestational age. Identifiers: MedGen C1848395, HP:0001520.

Submission:

Institute of Molecular and Cell Biology, University of Tartu
No classification provided. Condition: Large for gestational age. Review status: no classification provided. Collection method: case-control. Allele origin: unknown. Affected: yes. Study: Kasak2014.
Comment: The study aimed to determine the contribution of copy number variants in the genetic etiology of normal and complicated pregnancies. The samples represented (i) maternal blood DNA drawn from healthy pregnant women during 1st or 2nd trimester and (ii) maternal and paternal blood DNA drawn at term pregnancy cases representing normal and complicated gestations (severe preeclampsia, PE; gestational diabetes, GD; small-for-gestational age newborn, SGA; large-for-gestational age newborn, LGA). We performed CNV calling based on genome-wide genotyping dataset (Illumina HumanOmniExpress-24-v1 BeadChip) by applying three algorithms, QuantiSNP, GADA (Genome Alteration Detection Algorithm) and CNstream in parallel. The acquired CNV calls were merged with HD-CNV (Hotspot Detector for Copy Number Variants) program and only the CNVs predicted by at least two programs, were considered in subsequent analysis.

Literature cited by the submitters: PubMed 25666259.

NC_000017.11:g.19606768_19616131del

Variant type: Deletion.
Genome position: GRCh38: chr17:19,606,768-19,616,131. GRCh37 (hg19): chr17:19,510,081-19,519,444.
Identifiers: ClinVar variation 157378 (VCV000157378.3), ClinGen allele CA212438.